The following is an entry in ClinVar:

ClinVar aggregate classification (germline): Uncertain significance (1 of 4 stars; one submission).

Conditions:
Malignant hyperthermia, susceptibility to, 1 (MHS1). Also called: Anesthesia related hyperthermia; Malignant hyperpyrexia; Fulminating hyperpyrexia; Pharmacogenic myopathy; RYR1-Related Malignant Hyperthermia Susceptibility; Malignant hyperthermia suceptibility 1. Identifiers: Orphanet 423, MedGen C2930980, MONDO:0007783, OMIM 145600.

Allele frequency attached by ClinVar (database versions not stated): gnomAD exomes below 0.00001.

Submission:

All of Us Research Program, National Institutes of Health
Classification: Uncertain significance for Malignant hyperthermia, susceptibility to, 1. Last evaluated: 2023-06-26. Review status: criteria provided, single submitter. Criteria: ACMG Guidelines, 2015. Collection method: clinical testing. Allele origin: germline. Inheritance: Autosomal dominant inheritance. Observed: 1 variant allele, 1 heterozygote.
Comment: This missense variant replaces arginine with histidine at codon 2552 of the RYR1 protein. Computational prediction suggests that this variant may have deleterious impact on protein structure and function (internally defined REVEL score threshold >= 0.7, PMID: 27666373). To our knowledge, functional studies have not been reported for this variant. This variant has not been reported in individuals affected with RYR1-related disorders in the literature. This variant has not been identified in the general population by the Genome Aggregation Database (gnomAD). The available evidence is insufficient to determine the role of this variant in disease conclusively. Therefore, this variant is classified as a Variant of Uncertain Significance.

This study involves interpretation of variants in research participants for the purpose of population health screening. Participant phenotype was not available at the time of variant classification. Additional details can be found in publication PMID: 35346344, PMCID: PMC8962531

NM_000540.3(RYR1):c.7655G>A (p.Arg2552His)

Gene: RYR1 (ryanodine receptor 1; plus strand). Cytogenetic location: 19q13.2.
Variant type: single nucleotide variant.
Coding change: c.7655G>A on transcript NM_000540.3 (MANE Select); coding-DNA position 7655, G replaced by A.
Protein change: p.Arg2552His; replaces arginine 2552 with histidine.
Molecular consequence: missense variant.
Genome position (GRCh38, 1-based): chr19:38,502,547, G>A. VCF-style: chr19-38502547-G-A. GRCh37 (hg19) VCF-style: chr19-38993187-G-A.
Other names: c.7655G>A, p.Arg2552His (NM_001042723.2); short protein forms R2552H.
Identifiers: ClinVar variation 3071877 (VCV003071877.1), dbSNP rs2514332934, ClinGen allele CA405671498.